The following is an entry in ClinVar:

NM_182894.3(VSX2):c.906G>A (p.Arg302=)

Gene: VSX2 (visual system homeobox 2; plus strand). Cytogenetic location: 14q24.3.
Variant type: single nucleotide variant.
Coding change: c.906G>A on transcript NM_182894.3 (MANE Select); coding-DNA position 906, G replaced by A.
Protein change: p.Arg302=; no amino-acid change (arginine 302 retained).
Molecular consequence: synonymous variant.
Genome position (GRCh38, 1-based): chr14:74,260,739, G>A. VCF-style: chr14-74260739-G-A. GRCh37 (hg19) VCF-style: chr14-74727442-G-A.
Other names: c.906G>A (NM_182894.2).
Identifiers: ClinVar variation 1103329 (VCV001103329.11), dbSNP rs369042868, ClinGen allele CA7266492.

ClinVar aggregate classification (germline): Likely benign. Review status: criteria provided, single submitter (1 of 4 stars). 2 submissions from 2 submitters: Likely benign (1). 1 of the submissions does not count toward it. Last evaluated 2025-02-17.

Conditions:
Isolated microphthalmia 2. Identifiers: Orphanet 2542, MedGen C1864720, MONDO:0012409, OMIM 610093.
VSX2-related disorder. Also called: VSX2-related condition.

Allele frequency attached by ClinVar (database versions not stated): gnomAD exomes 0.00001; ExAC 0.00005; ESP Exome Variant Server 0.00008; TOPMed 0.00013; gnomAD 0.00014 and 0.00016.

Submissions (2):

Labcorp Genetics (formerly Invitae), Labcorp
Classification: Likely benign for Isolated microphthalmia 2. Last evaluated: 2025-02-17. Review status: criteria provided, single submitter. Criteria: Invitae Variant Classification Sherloc (09022015). Collection method: clinical testing. Allele origin: germline.

PreventionGenetics, part of Exact Sciences
Classification: Likely benign for VSX2-related condition. Last evaluated: 2019-03-26. Review status: no assertion criteria provided. Collection method: clinical testing. Allele origin: germline. Not counted in ClinVar's aggregate classification.
Comment: This variant is classified as likely benign based on ACMG/AMP sequence variant interpretation guidelines (Richards et al. 2015 PMID: 25741868, with internal and published modifications).